The following is an entry in ClinVar:

ClinVar aggregate classification (germline): Uncertain significance. Review status: criteria provided, multiple submitters, no conflicts (2 of 4 stars). 2 submissions from 2 submitters: Uncertain significance (2). Last evaluated 2024-02-23.

Allele frequency attached by ClinVar (database versions not stated): gnomAD exomes below 0.00001 and 0.00001; TOPMed below 0.00001; ExAC 0.00001; gnomAD 0.00001; ESP Exome Variant Server 0.00008.
gnomAD v4.1: 6 of 1,614,038 alleles (0.00037%); highest among the groups gnomAD compares: Non-Finnish European, 0.00042%; no homozygotes.

Submissions (2):

Labcorp Genetics (formerly Invitae), Labcorp
Classification: Uncertain significance. Last evaluated: 2024-02-23. Review status: criteria provided, single submitter. Criteria: Invitae Variant Classification Sherloc (09022015). Collection method: clinical testing. Allele origin: germline.
Comment: This sequence change replaces glutamic acid, which is acidic and polar, with glycine, which is neutral and non-polar, at codon 5 of the RHO protein (p.Glu5Gly). This variant is present in population databases (rs144270441, gnomAD 0.002%). This variant has not been reported in the literature in individuals affected with RHO-related conditions. ClinVar contains an entry for this variant (Variation ID: 1017489). Advanced modeling of protein sequence and biophysical properties (such as structural, functional, and spatial information, amino acid conservation, physicochemical variation, residue mobility, and thermodynamic stability) performed at Invitae indicates that this missense variant is expected to disrupt RHO protein function with a positive predictive value of 80%. In summary, the available evidence is currently insufficient to determine the role of this variant in disease. Therefore, it has been classified as a Variant of Uncertain Significance.

Blueprint Genetics
Classification: Uncertain significance. Last evaluated: 2021-09-26. Review status: criteria provided, single submitter. Criteria: ACMG Guidelines, 2015. Collection method: clinical testing. Allele origin: germline.

NM_000539.3(RHO):c.14A>G (p.Glu5Gly)

Gene: RHO (rhodopsin; plus strand). Cytogenetic location: 3q22.1.
Variant type: single nucleotide variant.
Coding change: c.14A>G on transcript NM_000539.3 (MANE Select); coding-DNA position 14, A replaced by G.
Protein change: p.Glu5Gly; replaces glutamic acid 5 with glycine.
Molecular consequence: missense variant.
Genome position (GRCh38, 1-based): chr3:129,528,747, A>G. VCF-style: chr3-129528747-A-G. GRCh37 (hg19) VCF-style: chr3-129247590-A-G.
Other names: short protein forms E5G.
Identifiers: ClinVar variation 1017489 (VCV001017489.9), dbSNP rs144270441, ClinGen allele CA2607036.